The following is an entry in ClinVar:

NM_016222.4(DDX41):c.626del (p.Ile209fs)

Gene: DDX41 (DEAD-box helicase 41; minus strand). Cytogenetic location: 5q35.3.
Variant type: Deletion.
Coding change: c.626del on transcript NM_016222.4 (MANE Select); coding-DNA position 626, one base deleted (T; older notation c.626delT).
Protein change: p.Ile209fs; shifts the reading frame from isoleucine 209.
Molecular consequence: frameshift variant.
Genome position (GRCh38, 1-based): chr5:177,515,204, A deleted on the plus strand (T on the coding strand, the reverse complement: DDX41 is on the minus strand). VCF-style (leftmost placement, unchanged base first): chr5-177515203-GA-G. GRCh37 (hg19) VCF-style: chr5-176942204-GA-G.
Other names: c.248del, p.Ile83fs (NM_001321732.2, NM_001321830.2); c.626delT (NM_016222.2); short protein forms I209fs, I83fs.
Identifiers: ClinVar variation 3663114 (VCV003663114.3).
Genomic context (GRCh38, chr5:177,515,203, plus strand): 5'-TCCAGCCCTCCTCAAGGACCCCAGGTCCACAGTCCACACTCACATGGTGGGGATGCCCTG[GA>G]TCTGAATGGGTGTTGGGTGGTGAATGCCTTTCTTCTTCAGGCCTCTCAGGATGGCTATGA-3'

ClinVar aggregate classification (germline): Pathogenic. Review status: criteria provided, multiple submitters, no conflicts (2 of 4 stars). 2 submissions from 2 submitters: Pathogenic (2). Last evaluated 2025-10-24.

Conditions:
Inborn genetic diseases. Identifiers: MedGen C0950123, MeSH D030342.

Submissions (2):

Ambry Genetics
Classification: Pathogenic for Inborn genetic diseases. Last evaluated: 2025-10-24. Review status: criteria provided, single submitter. Criteria: Ambry Variant Classification Scheme 2023. Collection method: clinical testing. Allele origin: germline.
Comment: The c.626delT pathogenic mutation, located in coding exon 7 of the DDX41 gene, results from a deletion of one nucleotide at nucleotide position 626, causing a translational frameshift with a predicted alternate stop codon (p.I209Tfs*13). This variant is considered to be rare based on population cohorts in the Genome Aggregation Database (gnomAD). This alteration is expected to result in loss of function by premature protein truncation or nonsense-mediated mRNA decay. As such, this alteration is interpreted as a disease-causing mutation.

Labcorp Genetics (formerly Invitae), Labcorp
Classification: Pathogenic. Last evaluated: 2024-08-21. Review status: criteria provided, single submitter. Criteria: Invitae Variant Classification Sherloc (09022015). Collection method: clinical testing. Allele origin: germline.
Comment: This sequence change creates a premature translational stop signal (p.Ile209Thrfs*13) in the DDX41 gene. It is expected to result in an absent or disrupted protein product. Loss-of-function variants in DDX41 are known to be pathogenic (PMID: 26712909, 27133828). This variant is not present in population databases (gnomAD no frequency). This variant has not been reported in the literature in individuals affected with DDX41-related conditions. Algorithms developed to predict the effect of sequence changes on RNA splicing suggest that this variant may disrupt the consensus splice site. For these reasons, this variant has been classified as Pathogenic.

Literature cited by the submitters: PubMed 26712909 (cited by Labcorp Genetics (formerly Invitae), Labcorp); PubMed 27133828 (cited by Labcorp Genetics (formerly Invitae), Labcorp).